The following is an entry in ClinVar:

NM_006231.4(POLE):c.6411G>C (p.Glu2137Asp)

Gene: POLE (DNA polymerase epsilon, catalytic subunit; minus strand). Cytogenetic location: 12q24.33.
Variant type: single nucleotide variant.
Coding change: c.6411G>C on transcript NM_006231.4 (MANE Select); coding-DNA position 6411, G replaced by C.
Protein change: p.Glu2137Asp; replaces glutamic acid 2137 with aspartic acid.
Molecular consequence: missense variant.
Genome position (GRCh38, 1-based): chr12:132,626,237, C>G on the plus strand (G>C on the coding strand, the complement: POLE is on the minus strand). VCF-style: chr12-132626237-C-G. GRCh37 (hg19) VCF-style: chr12-133202823-C-G.
Other names: short protein forms E2137D.
Identifiers: ClinVar variation 5038395 (VCV005038395.1).

ClinVar aggregate classification (germline): Uncertain significance (1 of 4 stars; one submission).

Conditions:
Colorectal cancer, susceptibility to, 12 (CRCS12). Also called: COLORECTAL CANCER, SUSCEPTIBILITY TO, ON CHROMOSOME 12q24. Identifiers: Orphanet 220460, MedGen C3554460, MONDO:0014038, OMIM 615083.

Submission:

St. Jude Molecular Pathology, St. Jude Children's Research Hospital
Classification: Uncertain significance for Colorectal cancer, susceptibility to, 12. Last evaluated: 2026-10-01. Review status: criteria provided, single submitter. Criteria: St. Jude Assertion Criteria 2020. Collection method: clinical testing. Allele origin: germline.
Comment: The POLE c.6411G>C p.(Glu2137Asp) missense change is absent in gnomAD v2.1.1. The in silico tool REVEL predicts a benign effect on protein function, but to our knowledge this prediction has not be en confirmed by functional studies. To our knowledge, this variant has not been reported in individuals with POLE-related disease. In summary, the evidence currently available is insufficient to determine the clinical significance of this variant. It has therefore been classified as of uncertain significance (VUS-Low).